The following is an entry in ClinVar:

ClinVar aggregate classification (germline): Uncertain significance (1 of 4 stars; one submission).

Conditions:
Hyperinsulinemic hypoglycemia, familial, 1 (HHF1). Also called: HYPERINSULINISM, FAMILIAL, WITH PANCREATIC NESIDIOBLASTOSIS; HYPOGLYCEMIA, HYPERINSULINEMIC, OF INFANCY; Persistent Hyperinsulinemia Hypoglycemia of Infancy; NESIDIOBLASTOSIS OF PANCREAS; Persistent hyperinsulinemic hypoglycemia of infancy. Identifiers: Orphanet 276575, Orphanet 276598, MedGen C2931832, MONDO:0009734, OMIM 256450.

Allele frequency attached by ClinVar (database versions not stated): TOPMed below 0.00001.

Submission:

Broad Center for Mendelian Genomics, Broad Institute of MIT and Harvard
Classification: Uncertain significance for Hyperinsulinemic hypoglycemia, familial, 1. Last evaluated: 2023-08-16. Review status: criteria provided, single submitter. Criteria: ACMG Guidelines, 2015. Collection method: curation. Allele origin: germline. Inheritance: Autosomal recessive inheritance.
Comment: The p.Ile900Thr variant in ABCC8 has been previously reported in 2 individuals with hyperinsulinemic hypoglycemia (PMID: 20685672), and has been seen in 0.0009% (1/113242) of European (non-Finnish) chromosomes by the Genome Aggregation Database (gnomAD; dbSNP: rs1398633586). Although this variant has been seen in the general population in a heterozygous state, its frequency is low enough to be consistent with a recessive carrier frequency. Computational prediction tools and conservation analyses suggest that this variant may impact the protein, though this information is not predictive enough to determine pathogenicity. In summary, the clinical significance of the p.Ile900Thr variant is uncertain. ACMG/AMP Criteria applied: PP3, PM2_supporting (Richards 2015).

NM_000352.6(ABCC8):c.2699T>C (p.Ile900Thr)

Gene: ABCC8 (ATP binding cassette subfamily C member 8; minus strand). Cytogenetic location: 11p15.1.
Variant type: single nucleotide variant.
Coding change: c.2699T>C on transcript NM_000352.6 (MANE Select); coding-DNA position 2699, T replaced by C.
Protein change: p.Ile900Thr; replaces isoleucine 900 with threonine.
Molecular consequence: missense variant. On other transcripts: non-coding transcript variant (1).
Genome position (GRCh38, 1-based): chr11:17,408,513, A>G on the plus strand (T>C on the coding strand, the complement: ABCC8 is on the minus strand). VCF-style: chr11-17408513-A-G. GRCh37 (hg19) VCF-style: chr11-17430060-A-G.
Other names: NM_001287174.3:c.2702T>C; c.2702T>C, p.Ile901Thr (NM_001287174.3); c.2765T>C, p.Ile922Thr (NM_001351295.2); c.2699T>C, p.Ile900Thr (NM_001351296.2); c.2696T>C, p.Ile899Thr (NM_001351297.2); short protein forms I899T, I900T, I901T, I922T.
Identifiers: ClinVar variation 2576208 (VCV002576208.1), dbSNP rs1398633586, ClinGen allele CA379805525.